The following is an entry in ClinVar:

ClinVar aggregate classification (germline): Conflicting classifications of pathogenicity. Review status: criteria provided, conflicting classifications (1 of 4 stars). 2 submissions from 2 submitters: Uncertain significance (1); Likely benign (1). Last evaluated 2026-02-10.

Allele frequency attached by ClinVar (database versions not stated): ExAC 0.00001; gnomAD exomes 0.00001 and 0.00002.
gnomAD v4.1: 33 of 1,598,808 alleles (0.0021%); highest among the groups gnomAD compares: Non-Finnish European, 0.0027%; no homozygotes.

Submissions (2):

Dasa
Classification: Uncertain significance. Last evaluated: 2026-02-10. Review status: criteria provided, single submitter. Criteria: DASA Assertion Criteria. Collection method: clinical testing. Allele origin: germline.
Comment: NM_002354.3(EPCAM):c.904-6T>C is a splice-region variant. This variant is rare in population databases. The currently available literature and clinical evidence are not sufficient to establish a definitive association between this variant and the reported condition. Therefore, this variant is classified as a variant of uncertain significance.

Labcorp Genetics (formerly Invitae), Labcorp
Classification: Likely benign. Last evaluated: 2015-09-15. Review status: criteria provided, single submitter. Criteria: Invitae Variant Classification Sherloc (09022015). Collection method: clinical testing. Allele origin: germline.

NM_002354.3(EPCAM):c.904-6T>C

Gene: EPCAM (epithelial cell adhesion molecule; plus strand). Cytogenetic location: 2p21.
Variant type: single nucleotide variant.
Coding change: c.904-6T>C on transcript NM_002354.3 (MANE Select); 6 bases into the intron before coding-DNA position 904, T replaced by C.
Molecular consequence: intron variant.
Genome position (GRCh38, 1-based): chr2:47,386,566, T>C. VCF-style: chr2-47386566-T-C. GRCh37 (hg19) VCF-style: chr2-47613705-T-C.
Identifiers: ClinVar variation 219971 (VCV000219971.6), dbSNP rs747578954, ClinGen allele CA350322.
Genomic context (GRCh38, chr2:47,386,566, plus strand): 5'-TTTTCAGAATGAACAAAAGATTGAAAAATTATTTAGAATTTTTTTCTGTGCTTTTTCCTG[T>C]TTCAGATAAAGGAGATGGGTGAGATGCATAGGGAACTCAATGCATAACTATATAATTTGA-3'